The following is an entry in ClinVar:

ClinVar aggregate classification (germline): Pathogenic. Review status: criteria provided, single submitter (1 of 4 stars). 2 submissions from 2 submitters: Pathogenic (1). 1 of the submissions does not count toward it. Last evaluated 2022-08-08.

Conditions:
Granulomatous disease, chronic, X-linked. Also called: CYTOCHROME b-NEGATIVE GRANULOMATOUS DISEASE, CHRONIC, X-LINKED; GRANULOMATOUS DISEASE, CHRONIC, X-LINKED, SOMATIC MOSAIC. Identifiers: Orphanet 379, MedGen C1844376, MONDO:0010600, OMIM 306400.

Submissions (2):

Labcorp Genetics (formerly Invitae), Labcorp
Classification: Pathogenic for Granulomatous disease, chronic, X-linked. Last evaluated: 2022-08-08. Review status: criteria provided, single submitter. Criteria: Invitae Variant Classification Sherloc (09022015). Collection method: clinical testing. Allele origin: germline.
Comment: This sequence change replaces glycine, which is neutral and non-polar, with glutamic acid, which is acidic and polar, at codon 322 of the CYBB protein (p.Gly322Glu). For these reasons, this variant has been classified as Pathogenic. Advanced modeling of protein sequence and biophysical properties (such as structural, functional, and spatial information, amino acid conservation, physicochemical variation, residue mobility, and thermodynamic stability) performed at Invitae indicates that this missense variant is expected to disrupt CYBB protein function. ClinVar contains an entry for this variant (Variation ID: 68413). This variant is also known as 977 G>A. This missense change has been observed in individuals with chronic granulomatous disease (PMID: 9585602, 20540864; Invitae). This variant is not present in population databases (gnomAD no frequency).

UniProtKB/Swiss-Prot
No classification provided. Review status: no classification provided. Collection method: not provided. Allele origin: not provided. Not counted in ClinVar's aggregate classification.

Literature cited by the submitters: PubMed 9585602 (cited by Labcorp Genetics (formerly Invitae), Labcorp); PubMed 20540864 (cited by Labcorp Genetics (formerly Invitae), Labcorp).

NM_000397.4(CYBB):c.965G>A (p.Gly322Glu)

Gene: CYBB (cytochrome b-245 beta chain; plus strand). Cytogenetic location: Xp11.4.
Variant type: single nucleotide variant.
Coding change: c.965G>A on transcript NM_000397.4 (MANE Select); coding-DNA position 965, G replaced by A.
Protein change: p.Gly322Glu; replaces glycine 322 with glutamic acid.
Molecular consequence: missense variant.
Genome position (GRCh38, 1-based): chrX:37,803,944, G>A. VCF-style: chrX-37803944-G-A. GRCh37 (hg19) VCF-style: chrX-37663197-G-A.
Other names: short protein forms G322E.
Identifiers: ClinVar variation 68413 (VCV000068413.6), dbSNP rs151344467, ClinGen allele CA219758.